The following is an entry in ClinVar:

NM_138711.6(PPARG):c.1181-10G>T

Gene: PPARG (peroxisome proliferator activated receptor gamma; plus strand). Cytogenetic location: 3p25.2.
Variant type: single nucleotide variant.
Coding change: c.1181-10G>T on transcript NM_138711.6 (MANE Select); 10 bases into the intron before coding-DNA position 1181, G replaced by T.
Molecular consequence: intron variant.
Genome position (GRCh38, 1-based): chr3:12,433,888, G>T. VCF-style: chr3-12433888-G-T. GRCh37 (hg19) VCF-style: chr3-12475387-G-T.
Other names: c.1181-10G>T (NM_001354666.3, NM_138712.5, NM_005037.7 and 3 more transcripts); c.730-10G>T (NM_001374261.3, NM_001374262.3, NM_001330615.4); c.554-10G>T (NM_001354669.2); c.654-10G>T (NM_001374266.1); c.1271-10G>T (NM_015869.5); c.820-10G>T (NM_001374265.1).
Identifiers: ClinVar variation 3031383 (VCV003031383.3), dbSNP rs778047423, ClinGen allele CA2258342.
Genomic context (GRCh38, chr3:12,433,888, plus strand): 5'-CCTCCAAGGCGGGGCCCAGAGGATTTTTTGACTGAACCCCCTGTTGTGTTTTCCATATGT[G>T]CTTCCCCAGACCGCCCAGGTTTGCTGAATGTGAAGCCCATTGAAGACATTCAAGACAACC-3'

ClinVar aggregate classification (germline): Likely benign. Review status: criteria provided, single submitter (1 of 4 stars). 2 submissions from 2 submitters: Likely benign (1). 1 of the submissions does not count toward it. Last evaluated 2023-08-24.

Conditions:
PPARG-related disorder. Also called: PPARG-related condition; PPARG-related disorders.

Allele frequency attached by ClinVar (database versions not stated): TOPMed below 0.00001; gnomAD 0.00001; ExAC 0.00002.
gnomAD v4.1: 9 of 1,613,846 alleles (0.00056%); highest among the groups gnomAD compares: South Asian, 0.0099%; no homozygotes.

Submissions (2):

Blueprint Genetics
Classification: Likely benign. Last evaluated: 2023-08-24. Review status: criteria provided, single submitter. Criteria: ACMG Guidelines, 2015. Collection method: clinical testing. Allele origin: germline.

PreventionGenetics, part of Exact Sciences
Classification: Likely benign for PPARG-related condition. Last evaluated: 2021-06-08. Review status: no assertion criteria provided. Collection method: clinical testing. Allele origin: germline. Not counted in ClinVar's aggregate classification.
Comment: This variant is classified as likely benign based on ACMG/AMP sequence variant interpretation guidelines (Richards et al. 2015 PMID: 25741868, with internal and published modifications).